The following is an entry in ClinVar:

ClinVar aggregate classification (germline): Uncertain significance. Review status: criteria provided, multiple submitters, no conflicts (2 of 4 stars). 3 submissions from 3 submitters: Uncertain significance (3). Last evaluated 2024-06-05.

Conditions:
Hereditary cancer-predisposing syndrome. Also called: Neoplastic Syndromes, Hereditary; Hereditary Cancer Syndrome; Tumor predisposition; Hereditary neoplastic syndrome. Identifiers: Orphanet 140162, MedGen C0027672, MeSH D009386, MONDO:0015356.

Allele frequency attached by ClinVar (database versions not stated): TOPMed below 0.00001.

Submissions (3):

Labcorp Genetics (formerly Invitae), Labcorp
Classification: Uncertain significance. Last evaluated: 2024-06-05. Review status: criteria provided, single submitter. Criteria: Invitae Variant Classification Sherloc (09022015). Collection method: clinical testing. Allele origin: germline.
Comment: This sequence change replaces tryptophan, which is neutral and slightly polar, with serine, which is neutral and polar, at codon 37 of the FH protein (p.Trp37Ser). This variant is not present in population databases (gnomAD no frequency). This variant has not been reported in the literature in individuals affected with FH-related conditions. ClinVar contains an entry for this variant (Variation ID: 1037806). Advanced modeling of protein sequence and biophysical properties (such as structural, functional, and spatial information, amino acid conservation, physicochemical variation, residue mobility, and thermodynamic stability) performed at Invitae indicates that this missense variant is not expected to disrupt FH protein function with a negative predictive value of 95%. In summary, the available evidence is currently insufficient to determine the role of this variant in disease. Therefore, it has been classified as a Variant of Uncertain Significance.

Ambry Genetics
Classification: Uncertain significance for Hereditary cancer-predisposing syndrome. Last evaluated: 2024-05-16. Review status: criteria provided, single submitter. Criteria: Ambry Variant Classification Scheme 2023. Collection method: clinical testing. Allele origin: germline.
Comment: The p.W37S variant (also known as c.110G>C), located in coding exon 1 of the FH gene, results from a G to C substitution at nucleotide position 110. The tryptophan at codon 37 is replaced by serine, an amino acid with highly dissimilar properties. This amino acid position is conserved. In addition, the in silico prediction for this alteration is inconclusive. Based on the available evidence, the clinical significance of this variant remains unclear.

GeneDx
Classification: Uncertain significance. Last evaluated: 2023-01-10. Review status: criteria provided, single submitter. Criteria: GeneDx Variant Classification Process June 2021. Collection method: clinical testing. Allele origin: germline. Affected: yes.
Comment: Not observed at significant frequency in large population cohorts (gnomAD); In silico analysis supports that this missense variant does not alter protein structure/function; Has not been previously published as pathogenic or benign to our knowledge

NM_000143.4(FH):c.110G>C (p.Trp37Ser)

Gene: FH (fumarate hydratase; minus strand). Cytogenetic location: 1q43.
Variant type: single nucleotide variant.
Coding change: c.110G>C on transcript NM_000143.4 (MANE Select); coding-DNA position 110, G replaced by C.
Protein change: p.Trp37Ser; replaces tryptophan 37 with serine.
Molecular consequence: missense variant.
Genome position (GRCh38, 1-based): chr1:241,519,613, C>G on the plus strand (G>C on the coding strand, the complement: FH is on the minus strand). VCF-style: chr1-241519613-C-G. GRCh37 (hg19) VCF-style: chr1-241682913-C-G.
Other names: c.110G>C (NM_000143.3); short protein forms W37S.
Identifiers: ClinVar variation 1037806 (VCV001037806.50), dbSNP rs1660318244, ClinGen allele CA345442675.